The following is an entry in ClinVar:

ClinVar aggregate classification (germline): Uncertain significance (1 of 4 stars; one submission).

Allele frequency attached by ClinVar (database versions not stated): gnomAD 0.00001; TOPMed 0.00002.
gnomAD v4.1: 16 of 1,613,902 alleles (0.00099%); highest among the groups gnomAD compares: Non-Finnish European, 0.0012%; no homozygotes.

Submission:

Labcorp Genetics (formerly Invitae), Labcorp
Classification: Uncertain significance. Last evaluated: 2025-04-01. Review status: criteria provided, single submitter. Criteria: Invitae Variant Classification Sherloc (09022015). Collection method: clinical testing. Allele origin: germline.
Comment: This sequence change replaces proline, which is neutral and non-polar, with leucine, which is neutral and non-polar, at codon 336 of the RUNX2 protein (p.Pro336Leu). This variant is present in population databases (no rsID available, gnomAD 0.01%). This variant has not been reported in the literature in individuals affected with RUNX2-related conditions. ClinVar contains an entry for this variant (Variation ID: 2065472). Invitae Evidence Modeling of protein sequence and biophysical properties (such as structural, functional, and spatial information, amino acid conservation, physicochemical variation, residue mobility, and thermodynamic stability) indicates that this missense variant is not expected to disrupt RUNX2 protein function with a negative predictive value of 80%. In summary, the available evidence is currently insufficient to determine the role of this variant in disease. Therefore, it has been classified as a Variant of Uncertain Significance.

NM_001024630.4(RUNX2):c.1007C>T (p.Pro336Leu)

Gene: RUNX2 (RUNX family transcription factor 2; plus strand). Cytogenetic location: 6p21.1.
Variant type: single nucleotide variant.
Coding change: c.1007C>T on transcript NM_001024630.4 (MANE Select); coding-DNA position 1007, C replaced by T.
Protein change: p.Pro336Leu; replaces proline 336 with leucine.
Molecular consequence: missense variant.
Genome position (GRCh38, 1-based): chr6:45,512,393, C>T. VCF-style: chr6-45512393-C-T. GRCh37 (hg19) VCF-style: chr6-45480130-C-T.
Other names: c.1007C>T, p.Pro336Leu (NM_001015051.4); c.965C>T, p.Pro322Leu (NM_001278478.2, NM_001369405.1, NM_004348.3); short protein forms P322L, P336L.
Identifiers: ClinVar variation 2065472 (VCV002065472.4), dbSNP rs1366398692, ClinGen allele CA363956120.